The following is an entry in ClinVar:

ClinVar aggregate classification (germline): Uncertain significance. Review status: criteria provided, multiple submitters, no conflicts (2 of 4 stars). 3 submissions from 3 submitters: Uncertain significance (3). Last evaluated 2025-06-19.

Conditions:
Inborn genetic diseases. Identifiers: MedGen C0950123, MeSH D030342.
Bardet-Biedl syndrome 11 (BBS11). Identifiers: Orphanet 110, MedGen C1859569, MONDO:0014439, OMIM 615988.
Sarcotubular myopathy (LGMDR8). Also called: Autosomal recessive limb-girdle muscular dystrophy type 2H; MUSCULAR DYSTROPHY, LIMB-GIRDLE, AUTOSOMAL RECESSIVE 8; Limb-girdle muscular dystrophy, type 2H; Hutterite type of muscular dystrophy. Identifiers: Orphanet 1878, MedGen C0270968, MONDO:0009683, OMIM 254110.
Bardet-Biedl syndrome (BBS). Identifiers: Orphanet 110, MedGen C0752166, MONDO:0015229.

Allele frequency attached by ClinVar (database versions not stated): gnomAD 0.00002; TOPMed 0.00002; gnomAD exomes 0.00003; ExAC 0.00002.
gnomAD v4.1: 18 of 1,613,772 alleles (0.0011%); highest among the groups gnomAD compares: Non-Finnish European, 0.0012%; no homozygotes.

Submissions (3):

Ambry Genetics
Classification: Uncertain significance for Inborn genetic diseases. Last evaluated: 2025-06-19. Review status: criteria provided, single submitter. Criteria: Ambry Variant Classification Scheme 2023. Collection method: clinical testing. Allele origin: germline.

Fulgent Genetics
Classification: Uncertain significance for Sarcotubular myopathy; Bardet-Biedl syndrome 11. Last evaluated: 2024-02-29. Review status: criteria provided, single submitter. Criteria: ACMG Guidelines, 2015. Collection method: clinical testing. Allele origin: germline.

Labcorp Genetics (formerly Invitae), Labcorp
Classification: Uncertain significance for Bardet-Biedl syndrome. Last evaluated: 2022-10-13. Review status: criteria provided, single submitter. Criteria: Invitae Variant Classification Sherloc (09022015). Collection method: clinical testing. Allele origin: germline.
Comment: This sequence change replaces arginine, which is basic and polar, with glutamine, which is neutral and polar, at codon 271 of the TRIM32 protein (p.Arg271Gln). This variant is present in population databases (rs773872830, gnomAD 0.01%). This variant has not been reported in the literature in individuals affected with TRIM32-related conditions. ClinVar contains an entry for this variant (Variation ID: 577065). Algorithms developed to predict the effect of missense changes on protein structure and function output the following: SIFT: "Tolerated"; PolyPhen-2: "Benign"; Align-GVGD: "Class C0". The glutamine amino acid residue is found in multiple mammalian species, which suggests that this missense change does not adversely affect protein function. In summary, the available evidence is currently insufficient to determine the role of this variant in disease. Therefore, it has been classified as a Variant of Uncertain Significance.

NM_012210.4(TRIM32):c.812G>A (p.Arg271Gln)

Genes: ASTN2 (astrotactin 2; minus strand), TRIM32 (tripartite motif containing 32; plus strand). Cytogenetic location: 9q33.1.
Variant type: single nucleotide variant.
Coding change: c.812G>A on transcript NM_012210.4 (MANE Select); coding-DNA position 812, G replaced by A.
Protein change: p.Arg271Gln; replaces arginine 271 with glutamine.
Molecular consequence: missense variant. On other transcripts: intron variant (3).
Genome position (GRCh38, 1-based): chr9:116,698,554, G>A. VCF-style: chr9-116698554-G-A. GRCh37 (hg19) VCF-style: chr9-119460833-G-A.
Other names: c.812G>A, p.Arg271Gln (NM_001099679.2, NM_001379048.1, NM_001379049.1 and 1 more transcripts); c.2653+27217C>T (NM_014010.5); c.2794+27217C>T (NM_001365069.1); c.2806+27217C>T (NM_001365068.1); short protein forms R271Q.
Identifiers: ClinVar variation 577065 (VCV000577065.10), dbSNP rs773872830, ClinGen allele CA5211051.